The following is an entry in ClinVar:

NM_001005242.3(PKP2):c.*646G>A

Gene: PKP2 (plakophilin 2; minus strand). Cytogenetic location: 12p11.21.
Variant type: single nucleotide variant.
Coding change: c.*646G>A on transcript NM_001005242.3 (MANE Select); 646 bases downstream of the stop codon, G replaced by A.
Molecular consequence: 3 prime UTR variant.
Genome position (GRCh38, 1-based): chr12:32,791,778, C>T on the plus strand (G>A on the coding strand, the complement: PKP2 is on the minus strand). VCF-style: chr12-32791778-C-T. GRCh37 (hg19) VCF-style: chr12-32944712-C-T.
Other names: c.*646G>A (NM_004572.4).
Identifiers: ClinVar variation 308488 (VCV000308488.5), dbSNP rs144983891, ClinGen allele CA10641066.

ClinVar aggregate classification (germline): Likely benign (1 of 4 stars; one submission).

Conditions:
Arrhythmogenic right ventricular dysplasia 9 (ARVD9). Also called: Arrhythmogenic Right Ventricular Dysplasia/Cardiomyopathy 9; ARRHYTHMOGENIC RIGHT VENTRICULAR DYSPLASIA, FAMILIAL, 9. Identifiers: MedGen C1836906, MONDO:0012180, OMIM 609040.

Allele frequency attached by ClinVar (database versions not stated): 1000 Genomes Project 0.00479; gnomAD 0.00528 and 0.00577; 1000 Genomes Project 30x 0.00562; TOPMed 0.00608.

Submission:

Illumina Laboratory Services, Illumina
Classification: Likely benign for Arrhythmogenic right ventricular dysplasia 9. Last evaluated: 2018-01-13. Review status: criteria provided, single submitter. Criteria: ICSL Variant Classification Criteria 13 December 2019. Collection method: clinical testing. Allele origin: germline.
Comment: This variant was observed in the ICSL laboratory as part of a predisposition screen in an ostensibly healthy population. It had not been previously curated by ICSL or reported in the Human Gene Mutation Database (HGMD: prior to June 1st, 2018), and was therefore a candidate for classification through an automated scoring system. Utilizing variant allele frequency, disease prevalence and penetrance estimates, and inheritance mode, an automated score was calculated to assess if this variant is too frequent to cause the disease. Based on the score and internal cut-off values, a variant classified as likely benign is not then subjected to further curation. The score for this variant resulted in a classification of likely benign for this disease.